The following is an entry in ClinVar:

ClinVar aggregate classification (germline): Benign (1 of 4 stars; one submission).

Conditions:
Hereditary cancer-predisposing syndrome. Also called: Hereditary Cancer Syndrome; Hereditary neoplastic syndrome; Neoplastic Syndromes, Hereditary; Tumor predisposition. Identifiers: Orphanet 140162, MedGen C0027672, MeSH D009386, MONDO:0015356.

Submission:

Hereditary Cancer Laboratory, Hospital Universitario 12 de Octubre
Classification: Benign for Hereditary cancer-predisposing syndrome. Last evaluated: 2025-01-08. Review status: criteria provided, single submitter. Criteria: ACMG Guidelines, 2015. Collection method: clinical testing. Allele origin: germline.
Comment: BA1+BP6

NM_003001.5(SDHC):c.77+28_77+29dup

Gene: SDHC (succinate dehydrogenase complex subunit C; plus strand). Cytogenetic location: 1q23.3.
Variant type: Duplication.
Coding change: c.77+28_77+29dup on transcript NM_003001.5 (MANE Select); bases 28 to 29 of the intron after coding-DNA position 77, 2 bases duplicated (AT; older notation c.77+28_77+29dupAT).
Molecular consequence: intron variant.
Genome position (GRCh38, 1-based): chr1:161,323,698-161,323,699, AT duplicated; duplicating any 2 consecutive bases within chr1:161,323,697-161,323,699 gives the same sequence; the c. name uses the placement nearest the transcript's 3' end. VCF-style (leftmost placement, unchanged base first): chr1-161323696-T-TTA. GRCh37 (hg19) VCF-style: chr1-161293486-T-TTA.
Other names: c.-35+28_-35+29dup (NM_001407119.1); c.-153+28_-153+29dup (NM_001407120.1); c.77+28_77+29dup (NM_001407115.1, NM_001035511.3, NM_001035512.3 and 2 more transcripts); c.21-4698_21-4697dup (NM_001407116.1, NM_001407121.1, NM_001407117.1); c.20+9273_20+9274dup (NM_001035513.3).
Identifiers: ClinVar variation 3906171 (VCV003906171.1).
Genomic context (GRCh38, chr1:161,323,696, plus strand): 5'-CGAGCCCACTTTAGCCCTCAGCTCTGTATCAGAAAGTAAGTTTCTAAGTCTGGAGATTAT[T>TTA]TATTTATTTTTTTTTTTGAGACGGAGTCTCGCTCTGTCACCCAGGCTGGAGTGCAATGGC-3'